The following is an entry in ClinVar:

ClinVar aggregate classification (germline): Uncertain significance (1 of 4 stars; one submission).

Allele frequency attached by ClinVar (database versions not stated): gnomAD exomes below 0.00001.
gnomAD v4.1: 1 of 1,614,220 alleles (0.000062%); highest among the groups gnomAD compares: Non-Finnish European, 0.000085%; no homozygotes.

Submission:

Labcorp Genetics (formerly Invitae), Labcorp
Classification: Uncertain significance. Last evaluated: 2022-09-06. Review status: criteria provided, single submitter. Criteria: Invitae Variant Classification Sherloc (09022015). Collection method: clinical testing. Allele origin: germline.
Comment: This sequence change replaces valine, which is neutral and non-polar, with alanine, which is neutral and non-polar, at codon 434 of the KLHL7 protein (p.Val434Ala). This variant is not present in population databases (gnomAD no frequency). This variant has not been reported in the literature in individuals affected with KLHL7-related conditions. Algorithms developed to predict the effect of missense changes on protein structure and function (SIFT, PolyPhen-2, Align-GVGD) all suggest that this variant is likely to be disruptive. In summary, the available evidence is currently insufficient to determine the role of this variant in disease. Therefore, it has been classified as a Variant of Uncertain Significance.

NM_001031710.3(KLHL7):c.1301T>C (p.Val434Ala)

Gene: KLHL7 (kelch like family member 7; plus strand). Cytogenetic location: 7p15.3.
Variant type: single nucleotide variant.
Coding change: c.1301T>C on transcript NM_001031710.3 (MANE Select); coding-DNA position 1301, T replaced by C.
Protein change: p.Val434Ala; replaces valine 434 with alanine.
Molecular consequence: missense variant. On other transcripts: non-coding transcript variant (1).
Genome position (GRCh38, 1-based): chr7:23,167,959, T>C. VCF-style: chr7-23167959-T-C. GRCh37 (hg19) VCF-style: chr7-23207578-T-C.
Other names: c.1157T>C, p.Val386Ala (NM_018846.5); short protein forms V386A, V434A.
Identifiers: ClinVar variation 2103489 (VCV002103489.4), dbSNP rs2534929706, ClinGen allele CA366981932.